The following is an entry in ClinVar:

ClinVar aggregate classification (germline): Benign (1 of 4 stars; one submission).

Allele frequency attached by ClinVar (database versions not stated): gnomAD 0.14793 and 0.15467; TOPMed 0.15628; 1000 Genomes Project 30x 0.23485; 1000 Genomes Project 0.23742.
gnomAD v4.1: 23,505 of 152,148 alleles (15%); highest among the groups gnomAD compares: South Asian, 36%; 2,077 homozygotes.

Submission:

GeneDx
Classification: Benign. Last evaluated: 2018-06-14. Review status: criteria provided, single submitter. Criteria: GeneDx Variant Classification (06012015). Collection method: clinical testing. Allele origin: germline. Affected: yes.
Comment: This variant is considered likely benign or benign based on one or more of the following criteria: it is a conservative change, it occurs at a poorly conserved position in the protein, it is predicted to be benign by multiple in silico algorithms, and/or has population frequency not consistent with disease.

NM_022726.4(ELOVL4):c.669+155T>A

Gene: ELOVL4 (ELOVL fatty acid elongase 4; minus strand). Cytogenetic location: 6q14.1.
Variant type: single nucleotide variant.
Coding change: c.669+155T>A on transcript NM_022726.4 (MANE Select); 155 bases into the intron after coding-DNA position 669, T replaced by A.
Molecular consequence: intron variant.
Genome position (GRCh38, 1-based): chr6:79,919,265, A>T on the plus strand (T>A on the coding strand, the complement: ELOVL4 is on the minus strand). VCF-style: chr6-79919265-A-T. GRCh37 (hg19) VCF-style: chr6-80628982-A-T.
Identifiers: ClinVar variation 680042 (VCV000680042.1), dbSNP rs9448857, ClinGen allele CA12372619.